The following is an entry in ClinVar:

ClinVar aggregate classification (germline): Uncertain significance (1 of 4 stars; one submission).

Conditions:
EGFR-related lung cancer (EGFR). Identifiers: MedGen CN130014.

Submission:

Labcorp Genetics (formerly Invitae), Labcorp
Classification: Uncertain significance for EGFR-related lung cancer. Last evaluated: 2022-12-01. Review status: criteria provided, single submitter. Criteria: Invitae Variant Classification Sherloc (09022015). Collection method: clinical testing. Allele origin: germline.
Comment: This variant has not been reported in the literature in individuals affected with EGFR-related conditions. In summary, the available evidence is currently insufficient to determine the role of this variant in disease. Therefore, it has been classified as a Variant of Uncertain Significance. Algorithms developed to predict the effect of missense changes on protein structure and function (SIFT, PolyPhen-2, Align-GVGD) all suggest that this variant is likely to be tolerated. This variant is not present in population databases (gnomAD no frequency). This sequence change replaces arginine, which is basic and polar, with glycine, which is neutral and non-polar, at codon 165 of the EGFR protein (p.Arg165Gly).

NM_005228.5(EGFR):c.493C>G (p.Arg165Gly)

Gene: EGFR (epidermal growth factor receptor; plus strand). Cytogenetic location: 7p11.2.
Variant type: single nucleotide variant.
Coding change: c.493C>G on transcript NM_005228.5 (MANE Select); coding-DNA position 493, C replaced by G.
Protein change: p.Arg165Gly; replaces arginine 165 with glycine.
Molecular consequence: missense variant. On other transcripts: intron variant (3).
Genome position (GRCh38, 1-based): chr7:55,146,674, C>G. VCF-style: chr7-55146674-C-G. GRCh37 (hg19) VCF-style: chr7-55214367-C-G.
Other names: c.493C>G, p.Arg165Gly (NM_001346898.2, NM_201282.2, NM_201283.2 and 1 more transcripts); c.334C>G, p.Arg112Gly (NM_001346900.2); c.424+3186C>G (NM_001346899.2, NM_001346897.2); c.89-9156C>G (NM_001346941.2); short protein forms R112G, R165G.
Identifiers: ClinVar variation 2779201 (VCV002779201.3), dbSNP rs587778252, ClinGen allele CA367576611.
Genomic context (GRCh38, chr7:55,146,674, plus strand): 5'-CATGGCGCCGTGCGGTTCAGCAACAACCCTGCCCTGTGCAACGTGGAGAGCATCCAGTGG[C>G]GGGACATAGTCAGCAGTGACTTTCTCAGCAACATGTCGATGGACTTCCAGAACCACCTGG-3'
Protein context (NP_005219.2, residues 155-175): ALCNVESIQW[Arg165Gly]DIVSSDFLSN